The following is an entry in ClinVar:

ClinVar aggregate classification (germline): Uncertain significance (1 of 4 stars; one submission).

Conditions:
Hereditary pancreatitis (PCTT). Also called: Hereditary chronic pancreatitis; PRSS1-Related Hereditary Pancreatitis. Identifiers: Orphanet 676, MedGen C0238339, MONDO:0008185, OMIM 167800.

Submission:

Ambry Genetics
Classification: Uncertain significance for Hereditary pancreatitis. Last evaluated: 2025-04-04. Review status: criteria provided, single submitter. Criteria: Ambry Variant Classification Scheme 2023. Collection method: clinical testing. Allele origin: germline.
Comment: The p.K145R variant (also known as c.434A>G), located in coding exon 4 of the CPA1 gene, results from an A to G substitution at nucleotide position 434. The lysine at codon 145 is replaced by arginine, an amino acid with highly similar properties. This amino acid position is conserved. In addition, this alteration is predicted to be tolerated by in silico analysis. Since supporting evidence is limited at this time, the clinical significance of this alteration remains unclear.

NM_001868.4(CPA1):c.434A>G (p.Lys145Arg)

Gene: CPA1 (carboxypeptidase A1; plus strand). Cytogenetic location: 7q32.2.
Variant type: single nucleotide variant.
Coding change: c.434A>G on transcript NM_001868.4 (MANE Select); coding-DNA position 434, A replaced by G.
Protein change: p.Lys145Arg; replaces lysine 145 with arginine.
Molecular consequence: missense variant.
Genome position (GRCh38, 1-based): chr7:130,382,160, A>G. VCF-style: chr7-130382160-A-G. GRCh37 (hg19) VCF-style: chr7-130022001-A-G.
Other names: short protein forms K145R.
Identifiers: ClinVar variation 1739907 (VCV001739907.3), dbSNP rs2536006347, ClinGen allele CA369281019.